The following is an entry in ClinVar:

ClinVar aggregate classification (germline): Conflicting classifications of pathogenicity. Review status: criteria provided, conflicting classifications (1 of 4 stars). 2 submissions from 2 submitters: Uncertain significance (1); Benign (1). Last evaluated 2025-03-26.

Conditions:
Congenital contractural arachnodactyly (CCA). Also called: BEALS SYNDROME; Beals-Hecht syndrome; Arthrogryposis, distal, type 9. Identifiers: Orphanet 115, MedGen C0220668, MONDO:0007363, OMIM 121050.
Familial thoracic aortic aneurysm and aortic dissection (TAAD). Also called: Thoracic aortic aneurysms and dissections. Identifiers: Orphanet 91387, MedGen C4707243, MONDO:0019625.

Allele frequency attached by ClinVar (database versions not stated): gnomAD exomes below 0.00001 and 0.00001; TOPMed 0.00001; gnomAD 0.00002.
gnomAD v4.1: 7 of 1,614,038 alleles (0.00043%); highest among the groups gnomAD compares: African/African-American, 0.0067%; no homozygotes.

Submissions (2):

Labcorp Genetics (formerly Invitae), Labcorp
Classification: Benign for Congenital contractural arachnodactyly. Last evaluated: 2025-03-26. Review status: criteria provided, single submitter. Criteria: Invitae Variant Classification Sherloc (09022015). Collection method: clinical testing. Allele origin: germline.

Ambry Genetics
Classification: Uncertain significance for Familial thoracic aortic aneurysm and aortic dissection. Last evaluated: 2022-04-26. Review status: criteria provided, single submitter. Criteria: Ambry Variant Classification Scheme 2023. Collection method: clinical testing. Allele origin: germline.
Comment: The p.R2330K variant (also known as c.6989G>A), located in coding exon 55 of the FBN2 gene, results from a G to A substitution at nucleotide position 6989. The arginine at codon 2330 is replaced by lysine, an amino acid with highly similar properties. This amino acid position is well conserved in available vertebrate species. In addition, this alteration is predicted to be tolerated by in silico analysis. Since supporting evidence is limited at this time, the clinical significance of this variant remains unclear.

NM_001999.4(FBN2):c.6989G>A (p.Arg2330Lys)

Gene: FBN2 (fibrillin 2; minus strand). Cytogenetic location: 5q23.3.
Variant type: single nucleotide variant.
Coding change: c.6989G>A on transcript NM_001999.4 (MANE Select); coding-DNA position 6989, G replaced by A.
Protein change: p.Arg2330Lys; replaces arginine 2330 with lysine.
Molecular consequence: missense variant.
Genome position (GRCh38, 1-based): chr5:128,286,741, C>T on the plus strand (G>A on the coding strand, the complement: FBN2 is on the minus strand). VCF-style: chr5-128286741-C-T. GRCh37 (hg19) VCF-style: chr5-127622433-C-T.
Other names: short protein forms R2330K.
Identifiers: ClinVar variation 263964 (VCV000263964.13), dbSNP rs886038992, ClinGen allele CA10587602.